The following is an entry in ClinVar:

ClinVar aggregate classification (germline): Uncertain significance. Review status: criteria provided, multiple submitters, no conflicts (2 of 4 stars). 2 submissions from 2 submitters: Uncertain significance (2). Last evaluated 2025-12-22.

Conditions:
Hereditary cancer-predisposing syndrome. Also called: Tumor predisposition; Hereditary Cancer Syndrome; Hereditary neoplastic syndrome; Neoplastic Syndromes, Hereditary. Identifiers: Orphanet 140162, MedGen C0027672, MeSH D009386, MONDO:0015356.

Allele frequency attached by ClinVar (database versions not stated): gnomAD exomes below 0.00001.
gnomAD v4.1: 1 of 1,614,190 alleles (0.000062%); highest among the groups gnomAD compares: Non-Finnish European, 0.000085%; no homozygotes.

Submissions (2):

Ambry Genetics
Classification: Uncertain significance for Hereditary cancer-predisposing syndrome. Last evaluated: 2025-12-22. Review status: criteria provided, single submitter. Criteria: Ambry Variant Classification Scheme 2023. Collection method: clinical testing. Allele origin: germline.
Comment: The p.C526Y variant (also known as c.1577G>A), located in coding exon 11 of the CTNNA1 gene, results from a G to A substitution at nucleotide position 1577. The cysteine at codon 526 is replaced by tyrosine, an amino acid with highly dissimilar properties. This amino acid position is conserved. In addition, this alteration is predicted to be deleterious by in silico analysis. Based on the available evidence, the clinical significance of this variant remains unclear.

Labcorp Genetics (formerly Invitae), Labcorp
Classification: Uncertain significance. Last evaluated: 2022-03-20. Review status: criteria provided, single submitter. Criteria: Invitae Variant Classification Sherloc (09022015). Collection method: clinical testing. Allele origin: germline.
Comment: Algorithms developed to predict the effect of missense changes on protein structure and function are either unavailable or do not agree on the potential impact of this missense change (SIFT: "Deleterious"; PolyPhen-2: "Probably Damaging"; Align-GVGD: "Class C0"). This variant has not been reported in the literature in individuals affected with CTNNA1-related conditions. This variant is not present in population databases (gnomAD no frequency). This sequence change replaces cysteine, which is neutral and slightly polar, with tyrosine, which is neutral and polar, at codon 526 of the CTNNA1 protein (p.Cys526Tyr). In summary, the available evidence is currently insufficient to determine the role of this variant in disease. Therefore, it has been classified as a Variant of Uncertain Significance.

NM_001903.5(CTNNA1):c.1577G>A (p.Cys526Tyr)

Gene: CTNNA1 (catenin alpha 1; plus strand). Cytogenetic location: 5q31.2.
Variant type: single nucleotide variant.
Coding change: c.1577G>A on transcript NM_001903.5 (MANE Select); coding-DNA position 1577, G replaced by A.
Protein change: p.Cys526Tyr; replaces cysteine 526 with tyrosine.
Molecular consequence: missense variant.
Genome position (GRCh38, 1-based): chr5:138,924,540, G>A. VCF-style: chr5-138924540-G-A. GRCh37 (hg19) VCF-style: chr5-138260229-G-A.
Other names: c.1577G>A, p.Cys526Tyr (NM_001290307.3, NM_001323982.2, NM_001323983.1 and 2 more transcripts); c.1268G>A, p.Cys423Tyr (NM_001290309.3); c.1208G>A, p.Cys403Tyr (NM_001290310.3); c.467G>A, p.Cys156Tyr (NM_001290312.1, NM_001323987.1, NM_001323988.1 and 17 more transcripts); c.1484G>A, p.Cys495Tyr (NM_001323986.2); c.128G>A, p.Cys43Tyr (NM_001324006.1, NM_001324007.1, NM_001324008.1 and 2 more transcripts); c.374G>A, p.Cys125Tyr (NM_001324011.1); c.224G>A, p.Cys75Tyr (NM_001324012.1, NM_001324013.1); and 1 more; short protein forms C43Y, C526Y, C156Y, C495Y, C75Y, C125Y, C403Y, C423Y.
Identifiers: ClinVar variation 1931797 (VCV001931797.6), dbSNP rs760904270, ClinGen allele CA361131744.